The following is an entry in ClinVar:

ClinVar aggregate classification (germline): Pathogenic/Likely pathogenic. Review status: criteria provided, multiple submitters, no conflicts (2 of 4 stars). 3 submissions from 3 submitters: Pathogenic (2); Likely pathogenic (1). Last evaluated 2022-06-13.

Conditions:
Dilated cardiomyopathy 1G (CMD1G). Identifiers: Orphanet 154, MedGen C1858763, MONDO:0011400, OMIM 604145.
Autosomal recessive limb-girdle muscular dystrophy type 2J (LGMDR10). Also called: MUSCULAR DYSTROPHY, LIMB-GIRDLE, AUTOSOMAL RECESSIVE 10; Limb-girdle muscular dystrophy, type 2J. Identifiers: Orphanet 140922, MedGen C1837342, MONDO:0012127, OMIM 608807.

Submissions (3):

Labcorp Genetics (formerly Invitae), Labcorp
Classification: Likely pathogenic for Dilated cardiomyopathy 1G; Autosomal recessive limb-girdle muscular dystrophy type 2J. Last evaluated: 2022-06-13. Review status: criteria provided, single submitter. Criteria: Invitae Variant Classification Sherloc (09022015). Collection method: clinical testing. Allele origin: germline.
Comment: This variant is not present in population databases (gnomAD no frequency). In summary, the currently available evidence indicates that the variant is pathogenic, but additional data are needed to prove that conclusively. Therefore, this variant has been classified as Likely Pathogenic. This variant is located in the A band of TTN (PMID: 25589632). Truncating variants in this region are significantly overrepresented in patients affected with dilated cardiomyopathy (PMID: 25589632). Truncating variants in this region have also been reported in individuals affected with autosomal recessive centronuclear myopathy (PMID: 23975875). Algorithms developed to predict the effect of sequence changes on RNA splicing suggest that this variant may create or strengthen a splice site. ClinVar contains an entry for this variant (Variation ID: 202538). This variant has not been reported in the literature in individuals affected with TTN-related conditions. This sequence change creates a premature translational stop signal (p.Thr17278Argfs*36) in the TTN gene. While this is not anticipated to result in nonsense mediated decay, it is expected to create a truncated TTN protein.

Mayo Clinic Laboratories, Mayo Clinic
Classification: Pathogenic. Last evaluated: 2021-11-17. Review status: criteria provided, single submitter. Criteria: ACMG Guidelines, 2015. Collection method: clinical testing. Allele origin: germline.
Comment: PM2, PS4_moderate, PVS1

GeneDx
Classification: Pathogenic. Last evaluated: 2014-10-31. Review status: criteria provided, single submitter. Criteria: GeneDx Variant Classification (06012015). Collection method: clinical testing. Allele origin: germline. Affected: yes.
Comment: c.46910_46925delCTATTACATGGATAAA: p.Thr15637ArgfsX36 (T15637RfsX36) in exon 223 of the TTN gene (NM_001256850.1). The normal sequence with the bases that are deleted in braces is: CCAA{CTATTACATGGATAAA}GGAT. Although the c.46910_46925delCTATTACATGGATAAA mutation in the TTN gene has not been reported to our knowledge, this mutation causes a shift in reading frame starting at codon Threonine 15637, changing it to an Arginine, and creating a premature stop codon at position 36 of the new reading frame, denoted p.Thr15637ArgfsX36. This mutation is expected to result in either an abnormal, truncated protein product or loss of protein from this allele through nonsense-mediated mRNA decay. Other truncating TTN variants have been reported in approximately 3% of control alleles (Herman D et al., 2012). However, c.46910_46925delCTATTACATGGATAAA is located in the A-band region of titin, where the majority of truncating mutations associated with DCM have been reported (Herman D et al., 2012). In summary, c.46910_46925delCTATTACATGGATAAA in the TTN gene is interpreted as a disease-causing mutation. The variant is found in CARDIOMYOPATHY panel(s).

Literature cited by the submitters: PubMed 25589632 (cited by Labcorp Genetics (formerly Invitae), Labcorp); PubMed 23975875 (cited by Labcorp Genetics (formerly Invitae), Labcorp).

NM_001267550.2(TTN):c.51833_51848del (p.Thr17278fs)

Genes: TTN (titin; minus strand), TTN-AS1 (TTN antisense RNA 1; plus strand). Cytogenetic location: 2q31.2.
Variant type: Deletion.
Coding change: c.51833_51848del on transcript NM_001267550.2 (MANE Select); coding-DNA positions 51833 to 51848, 16 bases deleted (CTATTACATGGATAAA).
Protein change: p.Thr17278fs; shifts the reading frame from threonine 17278.
Molecular consequence: frameshift variant.
Genome position (GRCh38, 1-based): chr2:178,609,462-178,609,477, TTTATCCATGTAATAG deleted on the plus strand (CTATTACATGGATAAA on the coding strand, the reverse complement: TTN is on the minus strand); deleting any 16 consecutive bases within chr2:178,609,462-178,609,479 gives the same sequence; the c. name uses the placement nearest the transcript's 3' end. VCF-style (leftmost placement, unchanged base first): chr2-178609461-CTTTATCCATGTAATAG-C. GRCh37 (hg19) VCF-style: chr2-179474188-CTTTATCCATGTAATAG-C.
Other names: p.Thr15637Argfs*36; c.46910_46925delCTATTACATGGATAAA (NM_001256850.1); c.46910_46925del, p.Thr15637fs (NM_001256850.1); c.24638_24653del, p.Thr8213fs (NM_003319.4); c.44129_44144del, p.Thr14710fs (NM_133378.4); c.25013_25028del, p.Thr8338fs (NM_133432.3); c.25214_25229del, p.Thr8405fs (NM_133437.4); short protein forms T15637fs, T8213fs, T8405fs, T14710fs, T17278fs, T8338fs.
Identifiers: ClinVar variation 202538 (VCV000202538.9), dbSNP rs794729391, ClinGen allele CA309542.